The following is an entry in ClinVar:

NM_015047.3(EMC1):c.2709G>C (p.Gln903His)

Genes: EMC1-AS1 (EMC1 antisense RNA 1; plus strand), EMC1 (ER membrane protein complex subunit 1; minus strand). Cytogenetic location: 1p36.13.
Variant type: single nucleotide variant.
Coding change: c.2709G>C on transcript NM_015047.3 (MANE Select); coding-DNA position 2709, G replaced by C.
Protein change: p.Gln903His; replaces glutamine 903 with histidine.
Molecular consequence: missense variant.
Genome position (GRCh38, 1-based): chr1:19,219,662, C>G on the plus strand (G>C on the coding strand, the complement: EMC1 is on the minus strand). VCF-style: chr1-19219662-C-G. GRCh37 (hg19) VCF-style: chr1-19546156-C-G.
Other names: c.2643G>C, p.Gln881His (NM_001271429.2); c.2718G>C, p.Gln906His (NM_001375820.1); c.2715G>C, p.Gln905His (NM_001375821.1); c.2706G>C, p.Gln902His (NM_001271427.2, NM_001271428.2); short protein forms Q902H, Q903H, Q906H, Q881H, Q905H.
Identifiers: ClinVar variation 1491658 (VCV001491658.6), dbSNP rs2151933806, ClinGen allele CA338750351.
Genomic context (GRCh38, chr1:19,219,662, plus strand): 5'-GTAGATACCTCGCATTCGAGAAACTGTCTGGTTATAGTTGATGAATCGCTCTGCGTGTAT[C>G]TGTACATCTGGAGAATACGGGATTAAGTTCTCCTCTCTGCAAAACACCAGCCGGGACAGG-3'
Protein context (NP_055862.1, residues 893-913): ENLIPYSPDV[Gln903His]IHAERFINYN

ClinVar aggregate classification (germline): Uncertain significance (1 of 4 stars; one submission).

gnomAD v4.1: 2 of 1,614,104 alleles (0.00012%); highest among the groups gnomAD compares: Non-Finnish European, 0.00017%; no homozygotes.

Submission:

Labcorp Genetics (formerly Invitae), Labcorp
Classification: Uncertain significance. Last evaluated: 2022-07-19. Review status: criteria provided, single submitter. Criteria: Invitae Variant Classification Sherloc (09022015). Collection method: clinical testing. Allele origin: germline.
Comment: This sequence change replaces glutamine, which is neutral and polar, with histidine, which is basic and polar, at codon 903 of the EMC1 protein (p.Gln903His). This variant is not present in population databases (gnomAD no frequency). This variant has not been reported in the literature in individuals affected with EMC1-related conditions. ClinVar contains an entry for this variant (Variation ID: 1491658). Algorithms developed to predict the effect of missense changes on protein structure and function (SIFT, PolyPhen-2, Align-GVGD) all suggest that this variant is likely to be tolerated. Algorithms developed to predict the effect of sequence changes on RNA splicing suggest that this variant may disrupt the consensus splice site. In summary, the available evidence is currently insufficient to determine the role of this variant in disease. Therefore, it has been classified as a Variant of Uncertain Significance.